The following is an entry in ClinVar:

NM_007194.4(CHEK2):c.936dup (p.Val313fs)

Gene: CHEK2 (checkpoint kinase 2; minus strand). Cytogenetic location: 22q12.1.
Variant type: Duplication.
Coding change: c.936dup on transcript NM_007194.4 (MANE Select); coding-DNA position 936, one base duplicated (A; older notation c.936dupA).
Protein change: p.Val313fs; shifts the reading frame from valine 313.
Molecular consequence: frameshift variant.
Genome position (GRCh38, 1-based): chr22:28,699,910, T duplicated on the plus strand (A on the coding strand, the reverse complement: CHEK2 is on the minus strand); the first of 3 consecutive T bases (chr22:28,699,910-28,699,912); duplicating any one gives the same sequence. VCF-style (leftmost placement, unchanged base first): chr22-28699909-C-CT. GRCh37 (hg19) VCF-style: chr22-29095897-C-CT.
Other names: c.1063dup, p.Val356Serfs (NM_001005735.3); c.271dup, p.Val92Serfs (NM_001257387.3); c.733dup, p.Val246Serfs (NM_001349956.3); c.934dup, p.Val313Serfs (NM_145862.3); short protein forms V92fs, V356fs, V246fs, V313fs.
Identifiers: ClinVar variation 423258 (VCV000423258.5), dbSNP rs1555915491, ClinGen allele CA16621063.

ClinVar aggregate classification (germline): Pathogenic/Likely pathogenic. Review status: criteria provided, multiple submitters, no conflicts (2 of 4 stars). 4 submissions from 4 submitters: Pathogenic (2); Likely pathogenic (2). Last evaluated 2025-04-18.

Conditions:
Familial cancer of breast. Also called: BREAST CANCER, FAMILIAL; Hereditary breast cancer; hereditary breast carcinoma. Identifiers: Orphanet 227535, MedGen C0346153, MONDO:0016419, OMIM 114480. Disease mechanism: loss of function.
Hereditary cancer-predisposing syndrome. Also called: Neoplastic Syndromes, Hereditary; Hereditary Cancer Syndrome; Hereditary neoplastic syndrome; Tumor predisposition. Identifiers: Orphanet 140162, MedGen C0027672, MeSH D009386, MONDO:0015356.
CHEK2-related cancer predisposition (TPDS4). Also called: CHEK2-related cancer susceptibility; TUMOR PREDISPOSITION SYNDROME 4; CANCER PREDISPOSITION SYNDROME, CHEK2-RELATED. Identifiers: Orphanet 524, MedGen C5882668, MONDO:0700271, OMIM 609265.

Submissions (4):

Labcorp Genetics (formerly Invitae), Labcorp
Classification: Pathogenic for Familial cancer of breast. Last evaluated: 2025-04-18. Review status: criteria provided, single submitter. Criteria: Invitae Variant Classification Sherloc (09022015). Collection method: clinical testing. Allele origin: germline.
Comment: This sequence change creates a premature translational stop signal (p.Val313Serfs*5) in the CHEK2 gene. It is expected to result in an absent or disrupted protein product. Loss-of-function variants in CHEK2 are known to be pathogenic (PMID: 21876083, 24713400). This variant is not present in population databases (gnomAD no frequency). This variant has not been reported in the literature in individuals affected with CHEK2-related conditions. ClinVar contains an entry for this variant (Variation ID: 423258). For these reasons, this variant has been classified as Pathogenic.

Ambry Genetics
Classification: Pathogenic for Hereditary cancer-predisposing syndrome. Last evaluated: 2025-01-14. Review status: criteria provided, single submitter. Criteria: Ambry Variant Classification Scheme 2023. Collection method: clinical testing. Allele origin: germline.
Comment: The c.936dupA pathogenic mutation, located in coding exon 8 of the CHEK2 gene, results from a duplication of A at nucleotide position 936, causing a translational frameshift with a predicted alternate stop codon (p.V313Sfs*5). This alteration is expected to result in loss of function by premature protein truncation or nonsense-mediated mRNA decay. As such, this alteration is interpreted as a disease-causing mutation.

GeneDx
Classification: Likely pathogenic. Last evaluated: 2017-01-27. Review status: criteria provided, single submitter. Criteria: GeneDx Variant Classification (06012015). Collection method: clinical testing. Allele origin: germline. Affected: yes.
Comment: This duplication of one nucleotide in CHEK2 is denoted c.936dupA at the cDNA level and p.Val313SerfsX5 (V313SfsX5) at the protein level. The normal sequence, with the base that is duplicated in brackets, is ACAA[dupA]GTGG. The duplication causes a frameshift which changes a Valine to a Serine at codon 313, and creates a premature stop codon at position 5 of the new reading frame. Although this variant has not, to our knowledge, been reported in the literature, it is predicted to cause loss of normal protein function through either protein truncation or nonsense-mediated mRNA decay. Based on the currently available information, we consider this duplication to be a likely pathogenic variant.

Genesis Genomics
Classification: Likely pathogenic for CHEK2-related cancer predisposition. Review status: criteria provided, single submitter. Criteria: ACMG Guidelines, 2015. Collection method: clinical testing. Allele origin: germline. Affected: no. Observed: 1 variant allele.

Literature cited by the submitters: PubMed 21876083 (cited by Labcorp Genetics (formerly Invitae), Labcorp); PubMed 24713400 (cited by Labcorp Genetics (formerly Invitae), Labcorp).